The following is an entry in ClinVar:

ClinVar aggregate classification (germline): Uncertain significance (1 of 4 stars; one submission).

Submission:

Labcorp Genetics (formerly Invitae), Labcorp
Classification: Uncertain significance. Last evaluated: 2021-11-01. Review status: criteria provided, single submitter. Criteria: Invitae Variant Classification Sherloc (09022015). Collection method: clinical testing. Allele origin: germline.
Comment: This sequence change replaces alanine, which is neutral and non-polar, with valine, which is neutral and non-polar, at codon 215 of the ARCN1 protein (p.Ala215Val). This variant is not present in population databases (gnomAD no frequency). This variant has not been reported in the literature in individuals affected with ARCN1-related conditions. Algorithms developed to predict the effect of missense changes on protein structure and function (SIFT, PolyPhen-2, Align-GVGD) all suggest that this variant is likely to be tolerated. In summary, the available evidence is currently insufficient to determine the role of this variant in disease. Therefore, it has been classified as a Variant of Uncertain Significance.

NM_001655.5(ARCN1):c.644C>T (p.Ala215Val)

Gene: ARCN1 (archain 1 coat protein complex I subunit delta; plus strand). Cytogenetic location: 11q23.3.
Variant type: single nucleotide variant.
Coding change: c.644C>T on transcript NM_001655.5 (MANE Select); coding-DNA position 644, C replaced by T.
Protein change: p.Ala215Val; replaces alanine 215 with valine.
Molecular consequence: missense variant.
Genome position (GRCh38, 1-based): chr11:118,584,005, C>T. VCF-style: chr11-118584005-C-T. GRCh37 (hg19) VCF-style: chr11-118454720-C-T.
Other names: c.380C>T, p.Ala127Val (NM_001142281.2); short protein forms A127V, A215V.
Identifiers: ClinVar variation 1390683 (VCV001390683.6), dbSNP rs2135542973, ClinGen allele CA382805946.